The following is an entry in ClinVar:

ClinVar aggregate classification (germline): Likely benign. Review status: criteria provided, multiple submitters, no conflicts (2 of 4 stars). 2 submissions from 2 submitters: Likely benign (2). Last evaluated 2025-04-17.

Conditions:
TMTC3-related disorder. Also called: TMTC3-related condition.

Allele frequency attached by ClinVar (database versions not stated): ESP Exome Variant Server 0.00015.
gnomAD v4.1: 153 of 1,613,594 alleles (0.0095%); highest among the groups gnomAD compares: Middle Eastern, 0.016%; no homozygotes.

Submissions (2):

PreventionGenetics, part of Exact Sciences
Classification: Likely benign for TMTC3-related condition. Last evaluated: 2025-04-17. Review status: criteria provided, single submitter. Criteria: ACMG Guidelines, 2015. Collection method: clinical testing. Allele origin: germline.
Comment: This variant is classified as likely benign based on ACMG/AMP sequence variant interpretation guidelines (Richards et al. 2015 PMID: 25741868, with internal and published modifications).

Labcorp Genetics (formerly Invitae), Labcorp
Classification: Likely benign. Last evaluated: 2023-06-09. Review status: criteria provided, single submitter. Criteria: Invitae Variant Classification Sherloc (09022015). Collection method: clinical testing. Allele origin: germline.

NM_181783.4(TMTC3):c.330A>T (p.Val110=)

Gene: TMTC3 (transmembrane O-mannosyltransferase targeting cadherins 3; plus strand). Cytogenetic location: 12q21.32.
Variant type: single nucleotide variant.
Coding change: c.330A>T on transcript NM_181783.4 (MANE Select); coding-DNA position 330, A replaced by T.
Protein change: p.Val110=; no amino-acid change (valine 110 retained).
Molecular consequence: synonymous variant. On other transcripts: non-coding transcript variant (1), intron variant (2).
Genome position (GRCh38, 1-based): chr12:88,153,431, A>T. VCF-style: chr12-88153431-A-T. GRCh37 (hg19) VCF-style: chr12-88547208-A-T.
Other names: c.150A>T, p.Val50= (NM_001366574.1); c.63A>T, p.Val21= (NM_001366580.1); c.190-857A>T (NM_001366579.1); c.-285-857A>T (NM_001366583.1); c.330A>T (NM_181783.3).
Identifiers: ClinVar variation 1643765 (VCV001643765.9), dbSNP rs141872788, ClinGen allele CA6713015.